The following is an entry in ClinVar:

ClinVar aggregate classification (germline): Uncertain significance (1 of 4 stars; one submission).

Submission:

Labcorp Genetics (formerly Invitae), Labcorp
Classification: Uncertain significance. Last evaluated: 2024-10-29. Review status: criteria provided, single submitter. Criteria: Invitae Variant Classification Sherloc (09022015). Collection method: clinical testing. Allele origin: germline.
Comment: This sequence change replaces glycine, which is neutral and non-polar, with alanine, which is neutral and non-polar, at codon 1774 of the SZT2 protein (p.Gly1774Ala). This variant is present in population databases (rs770926902, gnomAD 0.006%). This variant has not been reported in the literature in individuals affected with SZT2-related conditions. Invitae Evidence Modeling of protein sequence and biophysical properties (such as structural, functional, and spatial information, amino acid conservation, physicochemical variation, residue mobility, and thermodynamic stability) indicates that this missense variant is not expected to disrupt SZT2 protein function with a negative predictive value of 80%. In summary, the available evidence is currently insufficient to determine the role of this variant in disease. Therefore, it has been classified as a Variant of Uncertain Significance.

NM_001365999.1(SZT2):c.5492G>C (p.Gly1831Ala)

Gene: SZT2 (SZT2 subunit of KICSTOR complex; plus strand). Cytogenetic location: 1p34.2.
Variant type: single nucleotide variant.
Coding change: c.5492G>C on transcript NM_001365999.1 (MANE Select); coding-DNA position 5492, G replaced by C.
Protein change: p.Gly1831Ala; replaces glycine 1831 with alanine.
Molecular consequence: missense variant.
Genome position (GRCh38, 1-based): chr1:43,432,566, G>C. VCF-style: chr1-43432566-G-C. GRCh37 (hg19) VCF-style: chr1-43898237-G-C.
Other names: c.5321G>C, p.Gly1774Ala (NM_015284.4); short protein forms G1774A, G1831A.
Identifiers: ClinVar variation 3691081 (VCV003691081.1).